The following is an entry in ClinVar:

NM_144997.7(FLCN):c.138A>T (p.Glu46Asp)

Gene: FLCN (folliculin; minus strand). Cytogenetic location: 17p11.2.
Variant type: single nucleotide variant.
Coding change: c.138A>T on transcript NM_144997.7 (MANE Select); coding-DNA position 138, A replaced by T.
Protein change: p.Glu46Asp; replaces glutamic acid 46 with aspartic acid.
Molecular consequence: missense variant.
Genome position (GRCh38, 1-based): chr17:17,228,000, T>A on the plus strand (A>T on the coding strand, the complement: FLCN is on the minus strand). VCF-style: chr17-17228000-T-A. GRCh37 (hg19) VCF-style: chr17-17131314-T-A.
Other names: c.138A>T, p.Glu46Asp (NM_001353229.2, NM_001353230.2, NM_001353231.2 and 1 more transcripts); short protein forms E46D.
Identifiers: ClinVar variation 3684835 (VCV003684835.2).

ClinVar aggregate classification (germline): Uncertain significance (1 of 4 stars; one submission).

Conditions:
Birt-Hogg-Dube syndrome. Also called: Birt Hogg Dubé syndrome. Identifiers: Orphanet 122, MedGen C0346010, MONDO:0800444.

Submission:

Labcorp Genetics (formerly Invitae), Labcorp
Classification: Uncertain significance for Birt-Hogg-Dube syndrome. Last evaluated: 2024-09-04. Review status: criteria provided, single submitter. Criteria: Invitae Variant Classification Sherloc (09022015). Collection method: clinical testing. Allele origin: germline.
Comment: This sequence change replaces glutamic acid, which is acidic and polar, with aspartic acid, which is acidic and polar, at codon 46 of the FLCN protein (p.Glu46Asp). This variant is not present in population databases (gnomAD no frequency). This variant has not been reported in the literature in individuals affected with FLCN-related conditions. An algorithm developed to predict the effect of missense changes on protein structure and function outputs the following: PolyPhen-2: "Benign". The aspartic acid amino acid residue is found in multiple mammalian species, which suggests that this missense change does not adversely affect protein function. In summary, the available evidence is currently insufficient to determine the role of this variant in disease. Therefore, it has been classified as a Variant of Uncertain Significance.